The following is an entry in ClinVar:

NM_182961.4(SYNE1):c.22347-148_22347-145del

Gene: SYNE1 (spectrin repeat containing nuclear envelope protein 1; minus strand). Cytogenetic location: 6q25.2.
Variant type: Deletion.
Coding change: c.22347-148_22347-145del on transcript NM_182961.4 (MANE Select); 148 bases into the intron before coding-DNA position 22347 through 145 bases into the intron before coding-DNA position 22347, 4 bases deleted (TTTT; older notation c.22347-148_22347-145delTTTT).
Molecular consequence: intron variant.
Genome position (GRCh38, 1-based): chr6:152,213,904-152,213,907, AAAA deleted on the plus strand (TTTT on the coding strand, the reverse complement: SYNE1 is on the minus strand); deleting any 4 consecutive bases within chr6:152,213,904-152,213,909 gives the same sequence; the c. name uses the placement nearest the transcript's 3' end. VCF-style (leftmost placement, unchanged base first): chr6-152213903-TAAAA-T. GRCh37 (hg19) VCF-style: chr6-152535038-TAAAA-T.
Other names: c.22134-148_22134-145del (NM_033071.5).
Identifiers: ClinVar variation 670207 (VCV000670207.1), dbSNP rs34419015, ClinGen allele CA150177278.
Genomic context (GRCh38, chr6:152,213,903, plus strand): 5'-TCTGTGCTCAATTCTAATTGAACCACCACAAAGCTTTCATGTCAGGTGGTAAAATTATTT[TAAAA>T]AAGAAGAAAGAGGCCAGTTGCAGTGGCTCACGCCTGTAATCCCAACACTTTGGGAGACTG-3'

ClinVar aggregate classification (germline): Benign (1 of 4 stars; one submission).

Submission:

GeneDx
Classification: Benign. Last evaluated: 2018-06-19. Review status: criteria provided, single submitter. Criteria: GeneDx Variant Classification (06012015). Collection method: clinical testing. Allele origin: germline. Affected: yes.
Comment: This variant is considered likely benign or benign based on one or more of the following criteria: it is a conservative change, it occurs at a poorly conserved position in the protein, it is predicted to be benign by multiple in silico algorithms, and/or has population frequency not consistent with disease.